The following is an entry in ClinVar:

NM_004369.4(COL6A3):c.5528T>C (p.Phe1843Ser)

Gene: COL6A3 (collagen type VI alpha 3 chain; minus strand). Cytogenetic location: 2q37.3.
Variant type: single nucleotide variant.
Coding change: c.5528T>C on transcript NM_004369.4 (MANE Select); coding-DNA position 5528, T replaced by C.
Protein change: p.Phe1843Ser; replaces phenylalanine 1843 with serine.
Molecular consequence: missense variant.
Genome position (GRCh38, 1-based): chr2:237,366,008, A>G on the plus strand (T>C on the coding strand, the complement: COL6A3 is on the minus strand). VCF-style: chr2-237366008-A-G. GRCh37 (hg19) VCF-style: chr2-238274651-A-G.
Other names: c.3707T>C, p.Phe1236Ser (NM_057166.5); c.4910T>C, p.Phe1637Ser (NM_057167.4); short protein forms F1637S, F1236S, F1843S.
Identifiers: ClinVar variation 899020 (VCV000899020.9), dbSNP rs770876436, ClinGen allele CA2188637.
Genomic context (GRCh38, chr2:237,366,008, plus strand): 5'-TCCACCTTGGACTCGAAGCCCTTCTGGGCCACAAAAACATTCTGGTCTCTAGAACCATCA[A>G]ACCCCAGAATCACATCCAGATTACAAGCTGGAAAGGAGAAATGCAGGTGATGAGTTCTCA-3'
Protein context (NP_004360.2, residues 1833-1853): KACNLDVILG[Phe1843Ser]DGSRDQNVFV

ClinVar aggregate classification (germline): Conflicting classifications of pathogenicity. Review status: criteria provided, conflicting classifications (1 of 4 stars). 2 submissions from 2 submitters: Uncertain significance (1); Likely benign (1). Last evaluated 2025-07-19.

Conditions:
Bethlem myopathy 1A. Also called: MYOPATHY, BENIGN CONGENITAL, WITH CONTRACTURES; Bethlem myopathy 1; Bethlem Muscular Dystrophy. Identifiers: Orphanet 610, MedGen CN029274, MONDO:0024530, OMIM 158810.
Collagen 6-related myopathy. Identifiers: MedGen CN117976, MONDO:0100225.

Allele frequency attached by ClinVar (database versions not stated): TOPMed 0.00001; gnomAD exomes 0.00002; ExAC 0.00004.

Submissions (2):

Labcorp Genetics (formerly Invitae), Labcorp
Classification: Uncertain significance for Bethlem myopathy 1A. Last evaluated: 2025-07-19. Review status: criteria provided, single submitter. Criteria: Invitae Variant Classification Sherloc (09022015). Collection method: clinical testing. Allele origin: germline.
Comment: This sequence change replaces phenylalanine, which is neutral and non-polar, with serine, which is neutral and polar, at codon 1843 of the COL6A3 protein (p.Phe1843Ser). This variant is present in population databases (rs770876436, gnomAD 0.03%). This missense change has been observed in individual(s) with Parkinson disease (PMID: 33964895). This variant is also known as p.F1236S. ClinVar contains an entry for this variant (Variation ID: 899020). Invitae Evidence Modeling of protein sequence and biophysical properties (such as structural, functional, and spatial information, amino acid conservation, physicochemical variation, residue mobility, and thermodynamic stability) indicates that this missense variant is expected to disrupt COL6A3 protein function with a positive predictive value of 80%. In summary, the available evidence is currently insufficient to determine the role of this variant in disease. Therefore, it has been classified as a Variant of Uncertain Significance.

Illumina Laboratory Services, Illumina
Classification: Likely benign for Collagen VI-related myopathy. Last evaluated: 2018-01-13. Review status: criteria provided, single submitter. Criteria: ICSL Variant Classification Criteria 13 December 2019. Collection method: clinical testing. Allele origin: germline.
Comment: This variant was observed in the ICSL laboratory as part of a predisposition screen in an ostensibly healthy population. It had not been previously curated by ICSL or reported in the Human Gene Mutation Database (HGMD: prior to June 1st, 2018), and was therefore a candidate for classification through an automated scoring system. Utilizing variant allele frequency, disease prevalence and penetrance estimates, and inheritance mode, an automated score was calculated to assess if this variant is too frequent to cause the disease. Based on the score and internal cut-off values, a variant classified as likely benign is not then subjected to further curation. The score for this variant resulted in a classification of likely benign for this disease.

Literature cited by the submitters: PubMed 33964895 (cited by Labcorp Genetics (formerly Invitae), Labcorp).